The following is an entry in ClinVar:

NM_001243133.2(NLRP3):c.1849A>G (p.Lys617Glu)

Gene: NLRP3 (NLR family pyrin domain containing 3; plus strand). Cytogenetic location: 1q44.
Variant type: single nucleotide variant.
Coding change: c.1849A>G on transcript NM_001243133.2 (MANE Select); coding-DNA position 1849, A replaced by G.
Protein change: p.Lys617Glu; replaces lysine 617 with glutamic acid.
Molecular consequence: missense variant.
Genome position (GRCh38, 1-based): chr1:247,425,298, A>G. VCF-style: chr1-247425298-A-G. GRCh37 (hg19) VCF-style: chr1-247588600-A-G.
Other names: c.1849A>G, p.Lys617Glu (NM_001079821.3, NM_001127461.3, NM_001127462.3 and 1 more transcripts); c.1855A>G, p.Lys619Glu (NM_004895.5); short protein forms K617E, K619E.
Identifiers: ClinVar variation 3633877 (VCV003633877.2).
Genomic context (GRCh38, chr1:247,425,298, plus strand): 5'-AAGATCTCTCAGCAAATCAGGCTGGAGCTGCTGAAATGGATTGAAGTGAAAGCCAAAGCT[A>G]AAAAGCTGCAGATCCAGCCCAGCCAGCTGGAATTGTTCTACTGTTTGTACGAGATGCAGG-3'
Protein context (NP_001230062.1, residues 607-627): LKWIEVKAKA[Lys617Glu]KLQIQPSQLE

ClinVar aggregate classification (germline): Uncertain significance (1 of 4 stars; one submission).

Conditions:
Cryopyrin associated periodic syndrome (CAPS). Identifiers: Orphanet 208650, MedGen C2316212, MONDO:0016168.

Submission:

Labcorp Genetics (formerly Invitae), Labcorp
Classification: Uncertain significance for Cryopyrin associated periodic syndrome. Last evaluated: 2024-06-26. Review status: criteria provided, single submitter. Criteria: Invitae Variant Classification Sherloc (09022015). Collection method: clinical testing. Allele origin: germline.
Comment: This sequence change replaces lysine, which is basic and polar, with glutamic acid, which is acidic and polar, at codon 619 of the NLRP3 protein (p.Lys619Glu). This variant is not present in population databases (gnomAD no frequency). This variant has not been reported in the literature in individuals affected with NLRP3-related conditions. Advanced modeling of protein sequence and biophysical properties (such as structural, functional, and spatial information, amino acid conservation, physicochemical variation, residue mobility, and thermodynamic stability) has been performed at Invitae for this missense variant, however the output from this modeling did not meet the statistical confidence thresholds required to predict the impact of this variant on NLRP3 protein function. In summary, the available evidence is currently insufficient to determine the role of this variant in disease. Therefore, it has been classified as a Variant of Uncertain Significance.